The following is an entry in ClinVar:

ClinVar aggregate classification (germline): Likely benign. Review status: criteria provided, multiple submitters, no conflicts (2 of 4 stars). 3 submissions from 3 submitters: Likely benign (3). Last evaluated 2025-02-12.

Conditions:
Cardiomyopathy (CMYO). Also called: Cardiomyopathies. Identifiers: Orphanet 167848, MedGen C0878544, MONDO:0004994, HP:0001638. Inheritance: Various modes of inheritance.
Cardiovascular phenotype. Identifiers: MedGen CN230736.
Hypertrophic cardiomyopathy. Also called: HYPERTROPHIC MYOCARDIOPATHY. Identifiers: Orphanet 217569, MedGen C0007194, MeSH D002312, MONDO:0005045, HP:0001639.

Allele frequency attached by ClinVar (database versions not stated): gnomAD exomes below 0.00001 and 0.00003; gnomAD 0.00002; TOPMed 0.00002.
gnomAD v4.1: 46 of 1,614,058 alleles (0.0028%); highest among the groups gnomAD compares: Non-Finnish European, 0.0036%; no homozygotes.

Submissions (3):

Labcorp Genetics (formerly Invitae), Labcorp
Classification: Likely benign for Hypertrophic cardiomyopathy. Last evaluated: 2025-02-12. Review status: criteria provided, single submitter. Criteria: Invitae Variant Classification Sherloc (09022015). Collection method: clinical testing. Allele origin: germline.

All of Us Research Program, National Institutes of Health
Classification: Likely benign for Cardiomyopathy. Last evaluated: 2023-12-01. Review status: criteria provided, single submitter. Criteria: ACMG Guidelines, 2015. Collection method: clinical testing. Allele origin: germline. Inheritance: Autosomal dominant inheritance. Observed: 3 variant alleles, 3 heterozygotes.
Comment: This study involves interpretation of variants in research participants for the purpose of population health screening. Participant phenotype was not available at the time of variant classification. Additional details can be found in publication PMID: 35346344, PMCID: PMC8962531

Ambry Genetics
Classification: Likely benign for Cardiovascular phenotype. Last evaluated: 2022-12-13. Review status: criteria provided, single submitter. Criteria: Ambry Variant Classification Scheme 2023. Collection method: clinical testing. Allele origin: germline.

NM_000257.4(MYH7):c.2391C>G (p.Ala797=)

Genes: MYH7 (myosin heavy chain 7; minus strand), LOC126861898 (BRD4-independent group 4 enhancer GRCh37_chr14:23893609-23894808; plus strand). Cytogenetic location: 14q11.2.
Variant type: single nucleotide variant.
Coding change: c.2391C>G on transcript NM_000257.4 (MANE Select); coding-DNA position 2391, C replaced by G.
Protein change: p.Ala797=; no amino-acid change (alanine 797 retained).
Molecular consequence: synonymous variant.
Genome position (GRCh38, 1-based): chr14:23,425,314, G>C on the plus strand (C>G on the coding strand, the complement: MYH7 is on the minus strand). VCF-style: chr14-23425314-G-C. GRCh37 (hg19) VCF-style: chr14-23894523-G-C.
Identifiers: ClinVar variation 1142585 (VCV001142585.12), dbSNP rs1323525268, ClinGen allele CA485622659.